The following is an entry in ClinVar:

ClinVar aggregate classification (germline): Uncertain significance (1 of 4 stars; one submission).

Submission:

Labcorp Genetics (formerly Invitae), Labcorp
Classification: Uncertain significance. Last evaluated: 2019-12-05. Review status: criteria provided, single submitter. Criteria: Invitae Variant Classification Sherloc (09022015). Collection method: clinical testing. Allele origin: germline.
Comment: In summary, the available evidence is currently insufficient to determine the role of this variant in disease. Therefore, it has been classified as a Variant of Uncertain Significance. This variant has not been reported in the literature in individuals with LYZ-related conditions. This variant results in a copy number gain of the genomic region encompassing the full coding sequence of the LYZ gene. The boundaries of this event are unknown as they extend beyond the assayed region for this gene and therefore may encompass additional genes. As the precise location of this event is unknown, it may be in tandem or it may be located elsewhere in the genome.

NC_000012.12:g.(?_69348409)_(69353219_?)dup

Gene: LYZ (lysozyme; plus strand). Cytogenetic location: 12q15.
Variant type: Duplication.
Identifiers: ClinVar variation 831543 (VCV000831543.6).